The following is an entry in ClinVar:

ClinVar aggregate classification (germline): Uncertain significance. Review status: criteria provided, multiple submitters, no conflicts (2 of 4 stars). 2 submissions from 2 submitters: Uncertain significance (2). Last evaluated 2024-03-31.

Conditions:
Inborn genetic diseases. Identifiers: MedGen C0950123, MeSH D030342.

Allele frequency attached by ClinVar (database versions not stated): gnomAD exomes 0.00002 and 0.00004; ExAC 0.00005; gnomAD 0.00013 and 0.00014; TOPMed 0.00017; ESP Exome Variant Server 0.00031.
gnomAD v4.1: 54 of 1,613,776 alleles (0.0033%); highest among the groups gnomAD compares: African/African-American, 0.057%; no homozygotes.

Submissions (2):

Ambry Genetics
Classification: Uncertain significance for Inborn genetic diseases. Last evaluated: 2024-03-31. Review status: criteria provided, single submitter. Criteria: Ambry Variant Classification Scheme 2023. Collection method: clinical testing. Allele origin: germline.

Labcorp Genetics (formerly Invitae), Labcorp
Classification: Uncertain significance. Last evaluated: 2023-08-04. Review status: criteria provided, single submitter. Criteria: Invitae Variant Classification Sherloc (09022015). Collection method: clinical testing. Allele origin: germline.
Comment: In summary, the available evidence is currently insufficient to determine the role of this variant in disease. Therefore, it has been classified as a Variant of Uncertain Significance. An algorithm developed to predict the effect of missense changes on protein structure and function (PolyPhen-2) suggests that this variant is likely to be disruptive. ClinVar contains an entry for this variant (Variation ID: 1009699). This variant has not been reported in the literature in individuals affected with NEUROG3-related conditions. This variant is present in population databases (rs146850791, gnomAD 0.05%). This sequence change replaces lysine, which is basic and polar, with threonine, which is neutral and polar, at codon 87 of the NEUROG3 protein (p.Lys87Thr).

NM_020999.4(NEUROG3):c.260A>C (p.Lys87Thr)

Gene: NEUROG3 (neurogenin 3; minus strand). Cytogenetic location: 10q22.1.
Variant type: single nucleotide variant.
Coding change: c.260A>C on transcript NM_020999.4 (MANE Select); coding-DNA position 260, A replaced by C.
Protein change: p.Lys87Thr; replaces lysine 87 with threonine.
Molecular consequence: missense variant.
Genome position (GRCh38, 1-based): chr10:69,572,784, T>G on the plus strand (A>C on the coding strand, the complement: NEUROG3 is on the minus strand). VCF-style: chr10-69572784-T-G. GRCh37 (hg19) VCF-style: chr10-71332540-T-G.
Other names: c.260A>C (NM_020999.3); short protein forms K87T.
Identifiers: ClinVar variation 1009699 (VCV001009699.5), dbSNP rs146850791, ClinGen allele CA5533734.